The following is an entry in ClinVar:

ClinVar aggregate classification (germline): Uncertain significance (1 of 4 stars; one submission).

Conditions:
Familial thoracic aortic aneurysm and aortic dissection (TAAD). Also called: Thoracic aortic aneurysms and dissections. Identifiers: Orphanet 91387, MedGen C4707243, MONDO:0019625.
Hereditary cancer-predisposing syndrome. Also called: Neoplastic Syndromes, Hereditary; Tumor predisposition; Hereditary Cancer Syndrome; Hereditary neoplastic syndrome. Identifiers: Orphanet 140162, MedGen C0027672, MeSH D009386, MONDO:0015356.

Submission:

Ambry Genetics
Classification: Uncertain significance for Hereditary cancer-predisposing syndrome; Familial thoracic aortic aneurysm and aortic dissection. Last evaluated: 2026-03-17. Review status: criteria provided, single submitter. Criteria: Ambry Variant Classification Scheme 2023. Collection method: clinical testing. Allele origin: germline.
Comment: The p.P102S variant (also known as c.304C>T), located in coding exon 2 of the SMAD4 gene, results from a C to T substitution at nucleotide position 304. The proline at codon 102 is replaced by serine, an amino acid with similar properties. This amino acid position is conserved. In addition, this alteration is predicted to be deleterious by in silico analysis. Based on the available evidence, the clinical significance of this variant remains unclear.

NM_005359.6(SMAD4):c.304C>T (p.Pro102Ser)

Gene: SMAD4 (SMAD family member 4; plus strand). Cytogenetic location: 18q21.2.
Variant type: single nucleotide variant.
Coding change: c.304C>T on transcript NM_005359.6 (MANE Select); coding-DNA position 304, C replaced by T.
Protein change: p.Pro102Ser; replaces proline 102 with serine.
Molecular consequence: missense variant. On other transcripts: non-coding transcript variant (2).
Genome position (GRCh38, 1-based): chr18:51,048,740, C>T. VCF-style: chr18-51048740-C-T. GRCh37 (hg19) VCF-style: chr18-48575110-C-T.
Other names: c.304C>T, p.Pro102Ser (NM_001407041.1, NM_001407042.1, NM_001407043.1); short protein forms P102S.
Identifiers: ClinVar variation 4864691 (VCV004864691.1).